The following is an entry in ClinVar:

NM_000256.3(MYBPC3):c.2737+3G>A

Gene: MYBPC3 (myosin binding protein C3; minus strand). Cytogenetic location: 11p11.2.
Variant type: single nucleotide variant.
Coding change: c.2737+3G>A on transcript NM_000256.3 (MANE Select); 3 bases into the intron after coding-DNA position 2737, G replaced by A.
Molecular consequence: intron variant.
Genome position (GRCh38, 1-based): chr11:47,335,874, C>T on the plus strand (G>A on the coding strand, the complement: MYBPC3 is on the minus strand). VCF-style: chr11-47335874-C-T. GRCh37 (hg19) VCF-style: chr11-47357425-C-T.
Identifiers: ClinVar variation 3894504 (VCV003894504.1).

ClinVar aggregate classification (germline): Uncertain significance (1 of 4 stars; one submission).

Conditions:
Cardiomyopathy (CMYO). Also called: Cardiomyopathies. Identifiers: Orphanet 167848, MedGen C0878544, MONDO:0004994, HP:0001638. Inheritance: Various modes of inheritance.

Submission:

Color Diagnostics, LLC DBA Color Health
Classification: Uncertain significance for Cardiomyopathy. Last evaluated: 2024-01-29. Review status: criteria provided, single submitter. Criteria: ACMG Guidelines, 2015. Collection method: clinical testing. Allele origin: germline.
Comment: This variant causes a G to A nucleotide substitution at the +3 position of intron 26 of the MYBPC3 gene. To our knowledge, functional studies have not been reported for this variant. This variant has not been reported in individuals affected with MYBPC3-related disorders in the literature. This variant has not been identified in the general population by the Genome Aggregation Database (gnomAD). The available evidence is insufficient to determine the role of this variant in disease conclusively. Therefore, this variant is classified as a Variant of Uncertain Significance.